The following is an entry in ClinVar:

NM_015202.5(KATNIP):c.2713G>C (p.Ala905Pro)

Gene: KATNIP (katanin interacting protein; plus strand). Cytogenetic location: 16p12.1.
Variant type: single nucleotide variant.
Coding change: c.2713G>C on transcript NM_015202.5 (MANE Select); coding-DNA position 2713, G replaced by C.
Protein change: p.Ala905Pro; replaces alanine 905 with proline.
Molecular consequence: missense variant.
Genome position (GRCh38, 1-based): chr16:27,749,673, G>C. VCF-style: chr16-27749673-G-C. GRCh37 (hg19) VCF-style: chr16-27760994-G-C.
Other names: short protein forms A905P.
Identifiers: ClinVar variation 2170745 (VCV002170745.4), dbSNP rs747999930, ClinGen allele CA7978044.

ClinVar aggregate classification (germline): Uncertain significance (1 of 4 stars; one submission).

Allele frequency attached by ClinVar (database versions not stated): gnomAD 0.00001; gnomAD exomes 0.00003; ExAC 0.00006.
gnomAD v4.1: 19 of 1,612,132 alleles (0.0012%); highest among the groups gnomAD compares: Admixed American, 0.032%; no homozygotes.

Submission:

Labcorp Genetics (formerly Invitae), Labcorp
Classification: Uncertain significance. Last evaluated: 2024-12-16. Review status: criteria provided, single submitter. Criteria: Invitae Variant Classification Sherloc (09022015). Collection method: clinical testing. Allele origin: germline.
Comment: This sequence change replaces alanine, which is neutral and non-polar, with proline, which is neutral and non-polar, at codon 905 of the KIAA0556 protein (p.Ala905Pro). This variant is present in population databases (rs747999930, gnomAD 0.05%). This variant has not been reported in the literature in individuals affected with KIAA0556-related conditions. ClinVar contains an entry for this variant (Variation ID: 2170745). An algorithm developed to predict the effect of missense changes on protein structure and function (PolyPhen-2) suggests that this variant is likely to be disruptive. In summary, the available evidence is currently insufficient to determine the role of this variant in disease. Therefore, it has been classified as a Variant of Uncertain Significance.